The following is an entry in ClinVar:

ClinVar aggregate classification (germline): Likely benign. Review status: no assertion criteria provided (0 of 4 stars). 3 submissions from 3 submitters: Likely benign (3). Last evaluated 2019-06-28.

Conditions:
HNF4A-related disorder. Also called: HNF4A-related condition.

Allele frequency attached by ClinVar (database versions not stated): ExAC 0.00003; gnomAD 0.00003; gnomAD exomes 0.00004 and 0.00006; TOPMed 0.00004.
gnomAD v4.1: 89 of 1,614,052 alleles (0.0055%); highest among the groups gnomAD compares: South Asian, 0.0066%; no homozygotes.

Submissions (3):

PreventionGenetics, part of Exact Sciences
Classification: Likely benign for HNF4A-related condition. Last evaluated: 2019-06-28. Review status: no assertion criteria provided. Collection method: clinical testing. Allele origin: germline.
Comment: This variant is classified as likely benign based on ACMG/AMP sequence variant interpretation guidelines (Richards et al. 2015 PMID: 25741868, with internal and published modifications).

Clinical Genetics DNA and cytogenetics Diagnostics Lab, Erasmus MC, Erasmus Medical Center
Classification: Likely benign. Review status: no assertion criteria provided. Collection method: clinical testing. Allele origin: germline. Affected: yes. Study: VKGL Data-share Consensus.

Laboratory of Diagnostic Genome Analysis, Leiden University Medical Center (LUMC)
Classification: Likely benign. Review status: no assertion criteria provided. Collection method: clinical testing. Allele origin: germline. Affected: yes. Study: VKGL Data-share Consensus.

NM_175914.5(HNF4A):c.50-4665C>T

Gene: HNF4A (hepatocyte nuclear factor 4 alpha; plus strand). Cytogenetic location: 20q13.12.
Variant type: single nucleotide variant.
Coding change: c.50-4665C>T on transcript NM_175914.5 (MANE Select); 4665 bases into the intron before coding-DNA position 50, C replaced by T.
Molecular consequence: intron variant. On other transcripts: synonymous variant (3), 5 prime UTR variant (1).
Genome position (GRCh38, 1-based): chr20:44,401,393, C>T. VCF-style: chr20-44401393-C-T. GRCh37 (hg19) VCF-style: chr20-43030033-C-T.
Other names: c.21C>T, p.Leu7= (NM_000457.6, NM_178849.3, NM_178850.3); c.-92C>T (NM_001258355.2); c.41-4665C>T (NM_001287182.2, NM_001287183.2, NM_001287184.2); c.50-4665C>T (NM_001030003.3, NM_001030004.3); c.21C>T (NM_000457.4).
Identifiers: ClinVar variation 1328340 (VCV001328340.4), dbSNP rs774093087, ClinGen allele CA9870065.